The following is an entry in ClinVar:

ClinVar aggregate classification (germline): Uncertain significance (1 of 4 stars; one submission).

Conditions:
Fanconi anemia (FA). Also called: Fanconi's anemia. Identifiers: Orphanet 84, MedGen C0015625, MeSH D005199, MONDO:0019391.

Submission:

Labcorp Genetics (formerly Invitae), Labcorp
Classification: Uncertain significance for Fanconi anemia. Last evaluated: 2022-05-18. Review status: criteria provided, single submitter. Criteria: Invitae Variant Classification Sherloc (09022015). Collection method: clinical testing. Allele origin: germline.
Comment: This sequence change replaces phenylalanine, which is neutral and non-polar, with alanine, which is neutral and non-polar, at codon 236 of the FANCI protein (p.Phe236Ala). Information on the frequency of this variant in the gnomAD database is not available, as this variant may be reported differently in the database. This variant has not been reported in the literature in individuals affected with FANCI-related conditions. Algorithms developed to predict the effect of missense changes on protein structure and function are either unavailable or do not agree on the potential impact of this missense change (SIFT: "Not Available"; PolyPhen-2: "Possibly Damaging"; Align-GVGD: "Not Available"). In summary, the available evidence is currently insufficient to determine the role of this variant in disease. Therefore, it has been classified as a Variant of Uncertain Significance.

NM_001113378.2(FANCI):c.706_707delinsGC (p.Phe236Ala)

Gene: FANCI (FA complementation group I; plus strand). Cytogenetic location: 15q26.1.
Variant type: Indel.
Coding change: c.706_707delinsGC on transcript NM_001113378.2 (MANE Select); coding-DNA positions 706 to 707, TT replaced by GC.
Protein change: p.Phe236Ala; replaces phenylalanine 236 with alanine.
Molecular consequence: missense variant.
Genome position (GRCh38, 1-based): chr15:89,264,558-89,264,559, TT replaced by GC. VCF-style: chr15-89264558-TT-GC. GRCh37 (hg19) VCF-style: chr15-89807789-TT-GC.
Other names: c.427_428delinsGC, p.Phe143Ala (NM_001376910.1); c.706_707delinsGC, p.Phe236Ala (NM_001376911.1, NM_018193.3); short protein forms F143A, F236A.
Identifiers: ClinVar variation 1349588 (VCV001349588.3), dbSNP rs2151304891, ClinGen allele CA2573151347.